The following is an entry in ClinVar:

ClinVar aggregate classification (germline): Likely benign (0 of 4 stars; one submission).

Conditions:
ESPL1-related disorder. Also called: ESPL1-related condition.

Allele frequency attached by ClinVar (database versions not stated): ExAC 0.00005; gnomAD exomes 0.00007; gnomAD 0.00011; TOPMed 0.00011; 1000 Genomes Project 30x 0.00031; 1000 Genomes Project 0.00040.

Submission:

PreventionGenetics, part of Exact Sciences
Classification: Likely benign for ESPL1-related condition. Last evaluated: 2019-09-18. Review status: no assertion criteria provided. Collection method: clinical testing. Allele origin: germline.
Comment: This variant is classified as likely benign based on ACMG/AMP sequence variant interpretation guidelines (Richards et al. 2015 PMID: 25741868, with internal and published modifications).

NM_012291.5(ESPL1):c.1299C>T (p.Thr433=)

Gene: ESPL1 (extra spindle pole bodies like 1, separase; plus strand). Cytogenetic location: 12q13.13.
Variant type: single nucleotide variant.
Coding change: c.1299C>T on transcript NM_012291.5 (MANE Select); coding-DNA position 1299, C replaced by T.
Protein change: p.Thr433=; no amino-acid change (threonine 433 retained).
Molecular consequence: synonymous variant.
Genome position (GRCh38, 1-based): chr12:53,270,728, C>T. VCF-style: chr12-53270728-C-T. GRCh37 (hg19) VCF-style: chr12-53664512-C-T.
Identifiers: ClinVar variation 3040825 (VCV003040825.2), dbSNP rs149663100, ClinGen allele CA6597022.